The following is an entry in ClinVar:

NM_002180.3(IGHMBP2):c.367G>A (p.Asp123Asn)

Gene: IGHMBP2 (immunoglobulin mu DNA binding protein 2; plus strand). Cytogenetic location: 11q13.3.
Variant type: single nucleotide variant.
Coding change: c.367G>A on transcript NM_002180.3 (MANE Select); coding-DNA position 367, G replaced by A.
Protein change: p.Asp123Asn; replaces aspartic acid 123 with asparagine.
Molecular consequence: missense variant.
Genome position (GRCh38, 1-based): chr11:68,908,255, G>A. VCF-style: chr11-68908255-G-A. GRCh37 (hg19) VCF-style: chr11-68675723-G-A.
Other names: c.367G>A (NM_002180.2); short protein forms D123N.
Identifiers: ClinVar variation 1498192 (VCV001498192.28), dbSNP rs1004055119, ClinGen allele CA223385696.

ClinVar aggregate classification (germline): Uncertain significance. Review status: criteria provided, multiple submitters, no conflicts (2 of 4 stars). 3 submissions from 3 submitters: Uncertain significance (3). Last evaluated 2025-01-29.

Conditions:
Autosomal recessive distal spinal muscular atrophy 1. Also called: HMN VI; NEURONOPATHY, DISTAL HEREDITARY MOTOR, HARDING TYPE VI; NEUROPATHY, DISTAL HEREDITARY MOTOR, AUTOSOMAL RECESSIVE 1; NEURONOPATHY, SEVERE INFANTILE AXONAL, WITH RESPIRATORY FAILURE; SEVERE INFANTILE AXONAL NEUROPATHY WITH RESPIRATORY FAILURE; SPINAL MUSCULAR ATROPHY, DIAPHRAGMATIC. Identifiers: Orphanet 98920, MedGen C1858517, MONDO:0011436, OMIM 604320.
Charcot-Marie-Tooth disease axonal type 2S. Also called: CHARCOT-MARIE-TOOTH NEUROPATHY, TYPE 2S; CHARCOT-MARIE-TOOTH DISEASE, AXONAL, AUTOSOMAL RECESSIVE, TYPE 2S. Identifiers: Orphanet 443073, MedGen C4015349, MONDO:0014511, OMIM 616155.
Inborn genetic diseases. Identifiers: MedGen C0950123, MeSH D030342.

Submissions (3):

Ambry Genetics
Classification: Uncertain significance for Inborn genetic diseases. Last evaluated: 2025-01-29. Review status: criteria provided, single submitter. Criteria: Ambry Variant Classification Scheme 2023. Collection method: clinical testing. Allele origin: germline.

CeGaT Center for Human Genetics Tuebingen
Classification: Uncertain significance. Last evaluated: 2024-02-01. Review status: criteria provided, single submitter. Criteria: CeGaT Center For Human Genetics Tuebingen Variant Classification Criteria Version 2. Collection method: clinical testing. Allele origin: germline. Affected: yes. Observed: 1 variant allele.
Comment: IGHMBP2: PM2

Labcorp Genetics (formerly Invitae), Labcorp
Classification: Uncertain significance for Autosomal recessive distal spinal muscular atrophy 1; Charcot-Marie-Tooth disease axonal type 2S. Last evaluated: 2021-08-27. Review status: criteria provided, single submitter. Criteria: Invitae Variant Classification Sherloc (09022015). Collection method: clinical testing. Allele origin: germline.
Comment: This sequence change replaces aspartic acid with asparagine at codon 123 of the IGHMBP2 protein (p.Asp123Asn). The aspartic acid residue is moderately conserved and there is a small physicochemical difference between aspartic acid and asparagine. This variant is not present in population databases (ExAC no frequency). This variant has not been reported in the literature in individuals affected with IGHMBP2-related conditions. Advanced modeling of protein sequence and biophysical properties (such as structural, functional, and spatial information, amino acid conservation, physicochemical variation, residue mobility, and thermodynamic stability) performed at Invitae indicates that this missense variant is not expected to disrupt IGHMBP2 protein function. In summary, the available evidence is currently insufficient to determine the role of this variant in disease. Therefore, it has been classified as a Variant of Uncertain Significance.